The following is an entry in ClinVar:

ClinVar aggregate classification (germline): Uncertain significance (1 of 4 stars; one submission).

Conditions:
Charcot-Marie-Tooth disease type 4. Also called: Charcot-Marie-Tooth disease, type IV; Charcot-Marie-Tooth, Type 4. Identifiers: Orphanet 64749, MedGen C4082197, MONDO:0018995.

gnomAD v4.1: 4 of 1,609,336 alleles (0.00025%); highest among the groups gnomAD compares: East Asian, 0.0089%; 1 homozygote.

Submission:

Labcorp Genetics (formerly Invitae), Labcorp
Classification: Uncertain significance for Charcot-Marie-Tooth disease type 4. Last evaluated: 2019-09-24. Review status: criteria provided, single submitter. Criteria: Invitae Variant Classification Sherloc (09022015). Collection method: clinical testing. Allele origin: germline.
Comment: This sequence change replaces valine with phenylalanine at codon 1118 of the PRX protein (p.Val1118Phe). The valine residue is weakly conserved and there is a small physicochemical difference between valine and phenylalanine. This variant is not present in population databases (ExAC no frequency). This variant has not been reported in the literature in individuals with a PRX-related disease. ClinVar contains an entry for this variant (Variation ID: 220167). Algorithms developed to predict the effect of missense changes on protein structure and function do not agree on the potential impact of this missense change (SIFT: "Tolerated"; PolyPhen-2: "Possibly Damaging"; Align-GVGD: "Class C0"). In summary, this variant has uncertain impact on PRX function. The available evidence is currently insufficient to determine its role in disease. Therefore, it has been classified as a Variant of Uncertain Significance.

NM_181882.3(PRX):c.3352G>T (p.Val1118Phe)

Gene: PRX (periaxin; minus strand). Cytogenetic location: 19q13.2.
Variant type: single nucleotide variant.
Coding change: c.3352G>T on transcript NM_181882.3 (MANE Select); coding-DNA position 3352, G replaced by T.
Protein change: p.Val1118Phe; replaces valine 1118 with phenylalanine.
Molecular consequence: missense variant. On other transcripts: 3 prime UTR variant (1).
Genome position (GRCh38, 1-based): chr19:40,395,000, C>A on the plus strand (G>T on the coding strand, the complement: PRX is on the minus strand). VCF-style: chr19-40395000-C-A. GRCh37 (hg19) VCF-style: chr19-40900907-C-A.
Other names: c.*3557G>T (NM_020956.2); short protein forms V1118F.
Identifiers: ClinVar variation 220167 (VCV000220167.10), dbSNP rs143654708, ClinGen allele CA349458.